The following is an entry in ClinVar:

ClinVar aggregate classification (germline): Uncertain significance. Review status: criteria provided, multiple submitters, no conflicts (2 of 4 stars). 3 submissions from 3 submitters: Uncertain significance (3). Last evaluated 2023-04-11.

Conditions:
Inborn genetic diseases. Identifiers: MedGen C0950123, MeSH D030342.
Congenital sensory neuropathy with selective loss of small myelinated fibers (HSAN5). Also called: HSAN Type V. Identifiers: Orphanet 64752, MedGen C0020075, MONDO:0012092, OMIM 608654.

Allele frequency attached by ClinVar (database versions not stated): gnomAD exomes 0.00001; ExAC 0.00002; TOPMed 0.00002; gnomAD 0.00003; ESP Exome Variant Server 0.00008.
gnomAD v4.1: 18 of 1,614,020 alleles (0.0011%); highest among the groups gnomAD compares: Non-Finnish European, 0.0014%; no homozygotes.

Submissions (3):

Genome-Nilou Lab
Classification: Uncertain significance for Congenital sensory neuropathy with selective loss of small myelinated fibers. Last evaluated: 2023-04-11. Review status: criteria provided, single submitter. Criteria: ACMG Guidelines, 2015. Collection method: clinical testing. Allele origin: germline. Affected: no.

Labcorp Genetics (formerly Invitae), Labcorp
Classification: Uncertain significance for Congenital sensory neuropathy with selective loss of small myelinated fibers. Last evaluated: 2022-03-03. Review status: criteria provided, single submitter. Criteria: Invitae Variant Classification Sherloc (09022015). Collection method: clinical testing. Allele origin: germline.
Comment: This sequence change replaces lysine, which is basic and polar, with arginine, which is basic and polar, at codon 171 of the NGF protein (p.Lys171Arg). This variant is present in population databases (rs375808064, gnomAD 0.004%). This variant has not been reported in the literature in individuals affected with NGF-related conditions. Algorithms developed to predict the effect of missense changes on protein structure and function (SIFT, PolyPhen-2, Align-GVGD) all suggest that this variant is likely to be tolerated. In summary, the available evidence is currently insufficient to determine the role of this variant in disease. Therefore, it has been classified as a Variant of Uncertain Significance.

Ambry Genetics
Classification: Uncertain significance for Inborn genetic diseases. Last evaluated: 2020-03-18. Review status: criteria provided, single submitter. Criteria: Ambry Variant Classification Scheme 2023. Collection method: clinical testing. Allele origin: germline.
Comment: The p.K171R variant (also known as c.512A>G), located in coding exon 1 of the NGF gene, results from an A to G substitution at nucleotide position 512. The lysine at codon 171 is replaced by arginine, an amino acid with highly similar properties. This amino acid position is well conserved in available vertebrate species. In addition, this alteration is predicted to be tolerated by in silico analysis. Since supporting evidence is limited at this time, the clinical significance of this alteration remains unclear.

NM_002506.3(NGF):c.512A>G (p.Lys171Arg)

Genes: NGF (nerve growth factor; minus strand), NGF-AS1 (NGF antisense RNA 1; plus strand). Cytogenetic location: 1p13.2.
Variant type: single nucleotide variant.
Coding change: c.512A>G on transcript NM_002506.3 (MANE Select); coding-DNA position 512, A replaced by G.
Protein change: p.Lys171Arg; replaces lysine 171 with arginine.
Molecular consequence: missense variant.
Genome position (GRCh38, 1-based): chr1:115,286,284, T>C on the plus strand (A>G on the coding strand, the complement: NGF is on the minus strand). VCF-style: chr1-115286284-T-C. GRCh37 (hg19) VCF-style: chr1-115828905-T-C.
Other names: short protein forms K171R.
Identifiers: ClinVar variation 1364240 (VCV001364240.7), dbSNP rs375808064, ClinGen allele CA1022959.
Genomic context (GRCh38, chr1:115,286,284, plus strand): 5'-CCCCGGCACCCGCTGTCAACGGGATTTGGGTCCCGGCACTTGGTCTCAAAAAAGTACTGT[T>C]TGAATACACTGTTGTTAATGTTCACCTCTCCCAACACCATCACCTCCTTGCCCTTGATGT-3'
Protein context (NP_002497.2, residues 161-181): GEVNINNSVF[Lys171Arg]QYFFETKCRD